The following is an entry in ClinVar:

NM_058216.3(RAD51C):c.285T>G (p.His95Gln)

Gene: RAD51C (RAD51 paralog C; plus strand). Cytogenetic location: 17q22.
Variant type: single nucleotide variant.
Coding change: c.285T>G on transcript NM_058216.3 (MANE Select); coding-DNA position 285, T replaced by G.
Protein change: p.His95Gln; replaces histidine 95 with glutamine.
Molecular consequence: missense variant. On other transcripts: non-coding transcript variant (2).
Genome position (GRCh38, 1-based): chr17:58,695,070, T>G. VCF-style: chr17-58695070-T-G. GRCh37 (hg19) VCF-style: chr17-56772431-T-G.
Other names: c.285T>G, p.His95Gln (NM_002876.4); short protein forms H95Q.
Identifiers: ClinVar variation 484733 (VCV000484733.15), dbSNP rs1555593678, ClinGen allele CA400340852.

ClinVar aggregate classification (germline): Conflicting classifications of pathogenicity. Review status: criteria provided, conflicting classifications (1 of 4 stars). 3 submissions from 3 submitters: Uncertain significance (2); Likely benign (1). Last evaluated 2025-01-06.

Conditions:
Hereditary cancer-predisposing syndrome. Also called: Hereditary neoplastic syndrome; Neoplastic Syndromes, Hereditary; Tumor predisposition; Hereditary Cancer Syndrome. Identifiers: Orphanet 140162, MedGen C0027672, MeSH D009386, MONDO:0015356.
Fanconi anemia complementation group O. Also called: RAD51C-Related Fanconi Anemia. Identifiers: Orphanet 84, MedGen C3150653, MONDO:0013248, OMIM 613390.

Allele frequency attached by ClinVar (database versions not stated): gnomAD exomes below 0.00001.
gnomAD v4.1: 1 of 1,614,110 alleles (0.000062%); highest among the groups gnomAD compares: African/African-American, 0.0013%; no homozygotes.

Submissions (3):

Color Diagnostics, LLC DBA Color Health
Classification: Uncertain significance for Hereditary cancer-predisposing syndrome. Last evaluated: 2025-01-06. Review status: criteria provided, single submitter. Criteria: ACMG Guidelines, 2015. Collection method: clinical testing. Allele origin: germline.
Comment: This missense variant replaces histidine with glutamine at codon 95 of the RAD51C protein. Computational prediction suggests that this variant may not impact protein structure and function (internally defined REVEL score threshold <= 0.5, PMID: 27666373). To our knowledge, functional studies have not been reported for this variant. This variant has not been reported in individuals affected with RAD51C-related disorders in the literature. This variant has not been identified in the general population by the Genome Aggregation Database (gnomAD). The available evidence is insufficient to determine the role of this variant in disease conclusively. Therefore, this variant is classified as a Variant of Uncertain Significance.

Ambry Genetics
Classification: Likely benign for Hereditary cancer-predisposing syndrome. Last evaluated: 2024-10-09. Review status: criteria provided, single submitter. Criteria: Ambry Variant Classification Scheme 2023. Collection method: clinical testing. Allele origin: germline.

Labcorp Genetics (formerly Invitae), Labcorp
Classification: Uncertain significance for Fanconi anemia complementation group O. Last evaluated: 2024-06-23. Review status: criteria provided, single submitter. Criteria: Invitae Variant Classification Sherloc (09022015). Collection method: clinical testing. Allele origin: germline.
Comment: This sequence change replaces histidine, which is basic and polar, with glutamine, which is neutral and polar, at codon 95 of the RAD51C protein (p.His95Gln). This variant is not present in population databases (gnomAD no frequency). This variant has not been reported in the literature in individuals affected with RAD51C-related conditions. ClinVar contains an entry for this variant (Variation ID: 484733). Advanced modeling of protein sequence and biophysical properties (such as structural, functional, and spatial information, amino acid conservation, physicochemical variation, residue mobility, and thermodynamic stability) performed at Invitae indicates that this missense variant is not expected to disrupt RAD51C protein function with a negative predictive value of 80%. In summary, the available evidence is currently insufficient to determine the role of this variant in disease. Therefore, it has been classified as a Variant of Uncertain Significance.